The following is an entry in ClinVar:

ClinVar aggregate classification (germline): Uncertain significance (1 of 4 stars; one submission).

Submission:

Women's Health and Genetics/Laboratory Corporation of America, LabCorp
Classification: Uncertain significance. Last evaluated: 2023-05-19. Review status: criteria provided, single submitter. Criteria: LabCorp Variant Classification Summary - May 2015. Collection method: clinical testing. Allele origin: germline.
Comment: Variant summary: HECW2 c.2009A>C (p.Glu670Ala) results in a non-conservative amino acid change in the encoded protein sequence. Four of five in-silico tools predict a benign effect of the variant on protein function. The variant was absent in 206542 control chromosomes (gnomAD). However, a different missense change affecting the same amino acid position (p.Glu670Lys) is found in one adult (40-45 yo) carrier, who is also part of the non-neuro dataset. The available data on variant occurrences in the general population are insufficient to allow any conclusion about variant significance. To our knowledge, no occurrence of c.2009A>C in individuals affected with Neurodevelopmental Disorder with Hypotonia, Seizures, and Absent Language and no experimental evidence demonstrating its impact on protein function have been reported. No clinical diagnostic laboratories have submitted clinical-significance assessments for this variant to ClinVar after 2014. Based on the evidence outlined above, the variant was classified as uncertain significance.

NM_001348768.2(HECW2):c.2009A>C (p.Glu670Ala)

Gene: HECW2 (HECT, C2 and WW domain containing E3 ubiquitin protein ligase 2; minus strand). Cytogenetic location: 2q32.3.
Variant type: single nucleotide variant.
Coding change: c.2009A>C on transcript NM_001348768.2 (MANE Select); coding-DNA position 2009, A replaced by C.
Protein change: p.Glu670Ala; replaces glutamic acid 670 with alanine.
Molecular consequence: missense variant.
Genome position (GRCh38, 1-based): chr2:196,318,881, T>G on the plus strand (A>C on the coding strand, the complement: HECW2 is on the minus strand). VCF-style: chr2-196318881-T-G. GRCh37 (hg19) VCF-style: chr2-197183605-T-G.
Other names: c.941A>C, p.Glu314Ala (NM_001304840.3); c.2009A>C, p.Glu670Ala (NM_020760.4); short protein forms E314A, E670A.
Identifiers: ClinVar variation 2506040 (VCV002506040.1), dbSNP rs2469041703, ClinGen allele CA349964782.